The following is an entry in ClinVar:

NM_000051.4(ATM):c.7819T>A (p.Cys2607Ser)

Genes: ATM (ATM serine/threonine kinase; plus strand), C11orf65 (chromosome 11 open reading frame 65; minus strand). Cytogenetic location: 11q22.3.
Variant type: single nucleotide variant.
Coding change: c.7819T>A on transcript NM_000051.4 (MANE Select); coding-DNA position 7819, T replaced by A.
Protein change: p.Cys2607Ser; replaces cysteine 2607 with serine.
Molecular consequence: missense variant. On other transcripts: intron variant (2).
Genome position (GRCh38, 1-based): chr11:108,332,792, T>A. VCF-style: chr11-108332792-T-A. GRCh37 (hg19) VCF-style: chr11-108203519-T-A.
Other names: c.7819T>A, p.Cys2607Ser (NM_001351834.2); c.641-23721A>T (NM_001330368.2); c.*38+2428A>T (NM_001351110.2); short protein forms C2607S.
Identifiers: ClinVar variation 2774719 (VCV002774719.1), dbSNP rs1459650575, ClinGen allele CA382561299.

ClinVar aggregate classification (germline): Uncertain significance (1 of 4 stars; one submission).

Conditions:
Hereditary cancer-predisposing syndrome. Also called: Tumor predisposition; Neoplastic Syndromes, Hereditary; Hereditary Cancer Syndrome; Hereditary neoplastic syndrome. Identifiers: Orphanet 140162, MedGen C0027672, MeSH D009386, MONDO:0015356.

Submission:

Color Diagnostics, LLC DBA Color Health
Classification: Uncertain significance for Hereditary cancer-predisposing syndrome. Last evaluated: 2024-03-06. Review status: criteria provided, single submitter. Criteria: ACMG Guidelines, 2015. Collection method: clinical testing. Allele origin: germline.
Comment: This missense variant replaces cysteine with serine at codon 2607 of the ATM protein. Computational prediction suggests that this variant may not impact protein structure and function (internally defined REVEL score threshold <= 0.5, PMID: 27666373). To our knowledge, functional studies have not been reported for this variant. This variant has not been reported in individuals affected with hereditary cancer in the literature. This variant has not been identified in the general population by the Genome Aggregation Database (gnomAD). The available evidence is insufficient to determine the role of this variant in disease conclusively. Therefore, this variant is classified as a Variant of Uncertain Significance.